The following is an entry in ClinVar:

NM_001041.4(SI):c.1052G>T (p.Trp351Leu)

Gene: SI (sucrase-isomaltase; minus strand). Cytogenetic location: 3q26.1.
Variant type: single nucleotide variant.
Coding change: c.1052G>T on transcript NM_001041.4 (MANE Select); coding-DNA position 1052, G replaced by T.
Protein change: p.Trp351Leu; replaces tryptophan 351 with leucine.
Molecular consequence: missense variant.
Genome position (GRCh38, 1-based): chr3:165,059,996, C>A on the plus strand (G>T on the coding strand, the complement: SI is on the minus strand). VCF-style: chr3-165059996-C-A. GRCh37 (hg19) VCF-style: chr3-164777784-C-A.
Other names: short protein forms W351L.
Identifiers: ClinVar variation 1720762 (VCV001720762.5), dbSNP rs757378614, ClinGen allele CA355030525.

ClinVar aggregate classification (germline): Uncertain significance (1 of 4 stars; one submission).

Submission:

Labcorp Genetics (formerly Invitae), Labcorp
Classification: Uncertain significance. Last evaluated: 2022-10-01. Review status: criteria provided, single submitter. Criteria: Invitae Variant Classification Sherloc (09022015). Collection method: clinical testing. Allele origin: germline.
Comment: Advanced modeling of protein sequence and biophysical properties (such as structural, functional, and spatial information, amino acid conservation, physicochemical variation, residue mobility, and thermodynamic stability) has been performed at Invitae for this missense variant, however the output from this modeling did not meet the statistical confidence thresholds required to predict the impact of this variant on SI protein function. In summary, the available evidence is currently insufficient to determine the role of this variant in disease. Therefore, it has been classified as a Variant of Uncertain Significance. This variant has not been reported in the literature in individuals affected with SI-related conditions. This variant is not present in population databases (gnomAD no frequency). This sequence change replaces tryptophan, which is neutral and slightly polar, with leucine, which is neutral and non-polar, at codon 351 of the SI protein (p.Trp351Leu).